The following is an entry in ClinVar:

NM_004453.4(ETFDH):c.269T>A (p.Leu90Ter)

Gene: ETFDH (electron transfer flavoprotein dehydrogenase; plus strand). Cytogenetic location: 4q32.1.
Variant type: single nucleotide variant.
Coding change: c.269T>A on transcript NM_004453.4 (MANE Select); coding-DNA position 269, T replaced by A.
Protein change: p.Leu90Ter; replaces leucine 90 with a stop codon.
Molecular consequence: nonsense.
Genome position (GRCh38, 1-based): chr4:158,682,288, T>A. VCF-style: chr4-158682288-T-A. GRCh37 (hg19) VCF-style: chr4-159603440-T-A.
Other names: c.128T>A, p.Leu43Ter (NM_001281737.2); c.86T>A, p.Leu29Ter (NM_001281738.1); c.269T>A (NM_004453.3); short protein forms L43*, L29*, L90*.
Identifiers: ClinVar variation 1455566 (VCV001455566.12), dbSNP rs749085653, ClinGen allele CA3122310.

ClinVar aggregate classification (germline): Pathogenic/Likely pathogenic. Review status: criteria provided, multiple submitters, no conflicts (2 of 4 stars). 6 submissions from 6 submitters: Pathogenic (3); Likely pathogenic (3). Last evaluated 2026-01-09.

Conditions:
Glutaric acidemia type 2C.
Multiple acyl-CoA dehydrogenase deficiency (MADD). Also called: Glutaric acidemia type II; GA 2; ETHYLMALONIC-ADIPICACIDURIA; GA II; Glutaric Acidemia type 2; Glutaric aciduria, type 2. Identifiers: Orphanet 26791, MedGen C0268596, MONDO:0009282, OMIM 231680.

Allele frequency attached by ClinVar (database versions not stated): gnomAD exomes below 0.00001.
gnomAD v4.1: 7 of 1,614,086 alleles (0.00043%); highest among the groups gnomAD compares: African/African-American, 0.0093%; no homozygotes.

Submissions (6):

Labcorp Genetics (formerly Invitae), Labcorp
Classification: Pathogenic for Multiple acyl-CoA dehydrogenase deficiency. Last evaluated: 2026-01-09. Review status: criteria provided, single submitter. Criteria: Invitae Variant Classification Sherloc (09022015). Collection method: clinical testing. Allele origin: germline.
Comment: This sequence change creates a premature translational stop signal (p.Leu90*) in the ETFDH gene. It is expected to result in an absent or disrupted protein product. Loss-of-function variants in ETFDH are known to be pathogenic (PMID: 16510302, 23785301). This variant is present in population databases (rs749085653, gnomAD 0.02%). This variant has not been reported in the literature in individuals affected with ETFDH-related conditions. ClinVar contains an entry for this variant (Variation ID: 1455566). For these reasons, this variant has been classified as Pathogenic.

Variantyx, Inc.
Classification: Likely pathogenic for Multiple acyl-CoA dehydrogenase deficiency. Last evaluated: 2025-11-03. Review status: criteria provided, single submitter. Criteria: Variantyx Assertion Criteria 2022. Collection method: clinical testing. Allele origin: germline. Inheritance: Autosomal recessive inheritance. Affected: no.
Comment: This is a nonsense variant in the ETFDH gene (OMIM: 231675). Pathogenic variants in this gene have been associated with autosomal recessive glutaric acidemia IIC. This variant introduces a premature termination codon in exon 3 out of 13 and is expected to result in loss of function, which is a known disease mechanism for ETFDH in this disorder (PMID: 19249206) (PVS1). This variant has a 0.0093% maximum allele frequency in non-founder control populations (PM2) and has not been reported in individuals with ETFDH-related disorders in the databases available for review. Based on the current evidence, this variant is classified as likely pathogenic for autosomal recessive glutaric acidemia IIC.

Natera, Inc.
Classification: Likely pathogenic for Glutaric acidemia type 2C. Last evaluated: 2025-09-23. Review status: criteria provided, single submitter. Criteria: Natera Variant Classification Schema (03/2026). Collection method: clinical testing. Allele origin: germline.
Comment: The c.269T>A variant in ETFDH is a nonsense variant predicted to introduce a stop codon at amino acid 90. This variant is expected to result in nonsense mediated decay, truncation, or a dysfunctional protein product. This variant is rare in the general population with a frequency below the threshold expected for the associated phenotype(s). Given the available evidence, this variant is classified as Likely Pathogenic.

Women's Health and Genetics/Laboratory Corporation of America, LabCorp
Classification: Pathogenic for Multiple acyl-CoA dehydrogenase deficiency. Last evaluated: 2024-11-19. Review status: criteria provided, single submitter. Criteria: LabCorp Variant Classification Summary - May 2015. Collection method: clinical testing. Allele origin: germline.
Comment: Variant summary: ETFDH c.269T>A (p.Leu90X) results in a premature termination codon, predicted to cause absence of the protein due to nonsense mediated decay, which is a commonly known mechanism for disease. The variant allele was found at a frequency of 8e-06 in 251438 control chromosomes (gnomAD). To our knowledge, no occurrence of c.269T>A in individuals affected with Glutaric Aciduria, Type 2c and no experimental evidence demonstrating its impact on protein function have been reported. ClinVar contains an entry for this variant (Variation ID: 1455566). Based on the evidence outlined above, the variant was classified as pathogenic.

Baylor Genetics
Classification: Likely pathogenic for Multiple acyl-CoA dehydrogenase deficiency. Last evaluated: 2023-11-27. Review status: criteria provided, single submitter. Criteria: ACMG Guidelines, 2015. Collection method: clinical testing. Allele origin: unknown.

Greenwood Genetic Center Diagnostic Laboratories, Greenwood Genetic Center
Classification: Pathogenic for Multiple acyl-CoA dehydrogenase deficiency. Last evaluated: 2022-09-22. Review status: criteria provided, single submitter. Criteria: ACMG Guidelines, 2015. Collection method: clinical testing. Allele origin: germline. Affected: yes.
Comment: PVS1 PM2 PS3_Supporting

Literature cited by the submitters: PubMed 16510302 (cited by Labcorp Genetics (formerly Invitae), Labcorp); PubMed 23785301 (cited by Labcorp Genetics (formerly Invitae), Labcorp); PubMed 19249206 (cited by Variantyx, Inc.).